The following is an entry in ClinVar:

ClinVar aggregate classification (germline): Benign/Likely benign. Review status: criteria provided, multiple submitters, no conflicts (2 of 4 stars). 8 submissions from 8 submitters: Benign (3); Likely benign (4). 1 of the submissions does not count toward it. Last evaluated 2026-01-31.

Conditions:
ZNF469-related disorder. Also called: ZNF469-related condition.
Cardiovascular phenotype. Identifiers: MedGen CN230736.
Brittle cornea syndrome 1 (BCS1). Also called: CORNEAL FRAGILITY, KERATOGLOBUS, BLUE SCLERAE, JOINT HYPEREXTENSIBILITY; Corneal fragility keratoglobus, blue sclerae AND joint hypermobility; DYSGENESIS MESODERMALIS CORNEAE ET SCLERAE; EDS6B; FRAGILITAS OCULI WITH JOINT HYPEREXTENSIBILITY. Identifiers: Orphanet 90354, MedGen C0268344, MONDO:0024543, OMIM 229200.

Allele frequency attached by ClinVar (database versions not stated): gnomAD exomes 0.00074; ExAC 0.00110; gnomAD 0.00214; 1000 Genomes Project 0.00220; 1000 Genomes Project 30x 0.00250; ESP Exome Variant Server 0.00263; TOPMed 0.00318.
gnomAD v4.1: 800 of 1,550,350 alleles (0.052%); highest among the groups gnomAD compares: African/African-American, 0.91%; 2 homozygotes.

Submissions (8):

Labcorp Genetics (formerly Invitae), Labcorp
Classification: Benign. Last evaluated: 2026-01-31. Review status: criteria provided, single submitter. Criteria: Invitae Variant Classification Sherloc (09022015). Collection method: clinical testing. Allele origin: germline.

Women's Health and Genetics/Laboratory Corporation of America, LabCorp
Classification: Benign. Last evaluated: 2025-11-25. Review status: criteria provided, single submitter. Criteria: LabCorp Variant Classification Summary - May 2015. Collection method: clinical testing. Allele origin: germline.
Comment: Variant summary: ZNF469 c.8381C>T (p.Thr2794Met) results in a non-conservative amino acid change in the encoded protein sequence. Algorithms developed to predict the effect of missense changes on protein structure and function are either unavailable or do not agree on the potential impact of this missense change. The variant allele was found at a frequency of 0.00051 in 1543448 control chromosomes, predominantly at a frequency of 0.0091 within the African or African-American subpopulation in the gnomAD database, including 2 homozygotes. The observed variant frequency within African or African-American control individuals in the gnomAD database exceeds the estimated maximal expected allele frequency for disease-causing variants in ZNF469. To our knowledge, no occurrence of c.8381C>T in individuals affected with ZNF469-related conditions and no experimental evidence demonstrating its impact on protein function have been reported. ClinVar contains an entry for this variant (Variation ID: 432203). Based on the evidence outlined above, the variant was classified as benign.

CeGaT Center for Human Genetics Tuebingen
Classification: Likely benign. Last evaluated: 2024-01-01. Review status: criteria provided, single submitter. Criteria: CeGaT Center For Human Genetics Tuebingen Variant Classification Criteria Version 2. Collection method: clinical testing. Allele origin: germline. Affected: yes. Observed: 1 variant allele.
Comment: ZNF469: BP4

Genome-Nilou Lab
Classification: Benign for Brittle cornea syndrome 1. Last evaluated: 2021-12-05. Review status: criteria provided, single submitter. Criteria: ACMG Guidelines, 2015. Collection method: clinical testing. Allele origin: germline. Affected: no.

GeneDx
Classification: Likely benign. Last evaluated: 2020-12-16. Review status: criteria provided, single submitter. Criteria: GeneDx Variant Classification Process June 2021. Collection method: clinical testing. Allele origin: germline. Affected: yes.

Ambry Genetics
Classification: Likely benign for Cardiovascular phenotype. Last evaluated: 2019-12-03. Review status: criteria provided, single submitter. Criteria: Ambry Variant Classification Scheme 2023. Collection method: clinical testing. Allele origin: germline.

Center for Genomics, Ann and Robert H. Lurie Children's Hospital of Chicago
Classification: Likely benign for Brittle cornea syndrome 1. Last evaluated: 2019-10-22. Review status: criteria provided, single submitter. Criteria: ACMG Guidelines, 2015. Collection method: clinical testing. Allele origin: germline.
Comment: ZNF469 NM_001127464.2 exon 2 p.Thr2766Met (c.8297C>T): This variant has not been reported in the literature but is present in 0.8% (135/16582) of African alleles in the Genome Aggregation Database. This variant is present in ClinVar (Variation ID:432203). Evolutionary conservation and computational predictive tools suggest that this variant may not impact the protein. In summary, data on this variant suggests that this variant does not cause disease, but requires further evidence. Therefore this variant is classified as likely benign.

PreventionGenetics, part of Exact Sciences
Classification: Likely benign for ZNF469-related condition. Last evaluated: 2020-07-28. Review status: no assertion criteria provided. Collection method: clinical testing. Allele origin: germline. Not counted in ClinVar's aggregate classification.
Comment: This variant is classified as likely benign based on ACMG/AMP sequence variant interpretation guidelines (Richards et al. 2015 PMID: 25741868, with internal and published modifications).

NM_001367624.2(ZNF469):c.8381C>T (p.Thr2794Met)

Gene: ZNF469 (zinc finger protein 469; plus strand). Cytogenetic location: 16q24.2.
Variant type: single nucleotide variant.
Coding change: c.8381C>T on transcript NM_001367624.2 (MANE Select); coding-DNA position 8381, C replaced by T.
Protein change: p.Thr2794Met; replaces threonine 2794 with methionine.
Molecular consequence: missense variant.
Genome position (GRCh38, 1-based): chr16:88,435,851, C>T. VCF-style: chr16-88435851-C-T. GRCh37 (hg19) VCF-style: chr16-88502259-C-T.
Other names: NM_001127464.1:c.8297C>T; NM_001127464.2:c.8297C>T; short protein forms T2794M.
Identifiers: ClinVar variation 432203 (VCV000432203.38), dbSNP rs202188220, ClinGen allele CA8225330.